The following is an entry in ClinVar:

NM_004958.4(MTOR):c.3394C>T (p.Arg1132Ter)

Gene: MTOR (mechanistic target of rapamycin kinase; minus strand). Cytogenetic location: 1p36.22.
Variant type: single nucleotide variant.
Coding change: c.3394C>T on transcript NM_004958.4 (MANE Select); coding-DNA position 3394, C replaced by T.
Protein change: p.Arg1132Ter; replaces arginine 1132 with a stop codon.
Molecular consequence: nonsense.
Genome position (GRCh38, 1-based): chr1:11,212,800, G>A on the plus strand (C>T on the coding strand, the complement: MTOR is on the minus strand). VCF-style: chr1-11212800-G-A. GRCh37 (hg19) VCF-style: chr1-11272857-G-A.
Other names: c.3394C>T, p.Arg1132Ter (NM_001386500.1); c.2146C>T, p.Arg716Ter (NM_001386501.1); short protein forms R1132*, R716*.
Identifiers: ClinVar variation 3644248 (VCV003644248.2).

ClinVar aggregate classification (germline): Uncertain significance (1 of 4 stars; one submission).

gnomAD v4.1: 4 of 1,611,942 alleles (0.00025%); highest among the groups gnomAD compares: Non-Finnish European, 0.00025%; no homozygotes.

Submission:

Labcorp Genetics (formerly Invitae), Labcorp
Classification: Uncertain significance. Last evaluated: 2026-01-28. Review status: criteria provided, single submitter. Criteria: Invitae Variant Classification Sherloc (09022015). Collection method: clinical testing. Allele origin: germline.
Comment: This sequence change creates a premature translational stop signal (p.Arg1132*) in the MTOR gene. It is expected to result in an absent or disrupted protein product. However, the current clinical and genetic evidence is not sufficient to establish whether loss-of-function variants in MTOR cause disease. This variant is not present in population databases (gnomAD no frequency). This variant has not been reported in the literature in individuals affected with MTOR-related conditions. ClinVar contains an entry for this variant (Variation ID: 3644248). In summary, the available evidence is currently insufficient to determine the role of this variant in disease. Therefore, it has been classified as a Variant of Uncertain Significance.